The following is an entry in ClinVar:

NM_015570.4(AUTS2):c.2150C>T (p.Ala717Val)

Gene: AUTS2 (activator of transcription and developmental regulator AUTS2; plus strand). Cytogenetic location: 7q11.22.
Variant type: single nucleotide variant.
Coding change: c.2150C>T on transcript NM_015570.4 (MANE Select); coding-DNA position 2150, C replaced by T.
Protein change: p.Ala717Val; replaces alanine 717 with valine.
Molecular consequence: missense variant.
Genome position (GRCh38, 1-based): chr7:70,784,945, C>T. VCF-style: chr7-70784945-C-T. GRCh37 (hg19) VCF-style: chr7-70249931-C-T.
Other names: c.2078C>T, p.Ala693Val (NM_001127231.3); short protein forms A693V, A717V.
Identifiers: ClinVar variation 1989343 (VCV001989343.4), dbSNP rs1203826984, ClinGen allele CA367663313.

ClinVar aggregate classification (germline): Uncertain significance (1 of 4 stars; one submission).

Allele frequency attached by ClinVar (database versions not stated): gnomAD exomes below 0.00001; TOPMed 0.00002.
gnomAD v4.1: 3 of 1,613,940 alleles (0.00019%); highest among the groups gnomAD compares: Admixed American, 0.0033%; no homozygotes.

Submission:

Labcorp Genetics (formerly Invitae), Labcorp
Classification: Uncertain significance. Last evaluated: 2023-10-13. Review status: criteria provided, single submitter. Criteria: Invitae Variant Classification Sherloc (09022015). Collection method: clinical testing. Allele origin: germline.
Comment: This sequence change replaces alanine, which is neutral and non-polar, with valine, which is neutral and non-polar, at codon 717 of the AUTS2 protein (p.Ala717Val). This variant is present in population databases (no rsID available, gnomAD 0.003%). This variant has not been reported in the literature in individuals affected with AUTS2-related conditions. ClinVar contains an entry for this variant (Variation ID: 1989343). Advanced modeling of protein sequence and biophysical properties (such as structural, functional, and spatial information, amino acid conservation, physicochemical variation, residue mobility, and thermodynamic stability) performed at Invitae indicates that this missense variant is not expected to disrupt AUTS2 protein function. In summary, the available evidence is currently insufficient to determine the role of this variant in disease. Therefore, it has been classified as a Variant of Uncertain Significance.